The following is an entry in ClinVar:

ClinVar aggregate classification (germline): Pathogenic. Review status: reviewed by expert panel (3 of 4 stars). 6 submissions from 5 submitters: Pathogenic (1). 5 of the submissions do not count toward it. Last evaluated 2024-07-29.

Conditions:
T-cell lymphopenia, infantile, with or without nail dystrophy, autosomal dominant. Identifiers: Orphanet 676039, MedGen C5394133, MONDO:0032928, OMIM 618806.
T-CELL LYMPHOPENIA, INFANTILE, WITHOUT NAIL DYSTROPHY, AUTOSOMAL DOMINANT.
Primary immunodeficiency or monogenic inflammatory bowel disease.
T-cell immunodeficiency, congenital alopecia, and nail dystrophy. Also called: Congenital alopecia and nail dystrophy associated with severe functional T-cell immunodeficiency; Pignata Guarino syndrome. Identifiers: Orphanet 169095, MedGen C1866426, MONDO:0011132, OMIM 601705.

Allele frequency attached by ClinVar (database versions not stated): gnomAD 0.00001.
gnomAD v4.1: 5 of 1,614,024 alleles (0.00031%); highest among the groups gnomAD compares: African/African-American, 0.0013%; no homozygotes.

Submissions (6):

ClinGen Severe Combined Immunodeficiency Variant Curation Expert Panel, ClinGen
Classification: Pathogenic for T-cell immunodeficiency, congenital alopecia, and nail dystrophy. Last evaluated: 2024-07-29. Review status: reviewed by expert panel. Criteria: ClinGen SCID ACMG Specifications FOXN1 V1.0.0. Collection method: curation. Allele origin: germline. Inheritance: Semidominant inheritance.
Comment: The variant NM_001369369.1(FOXN1):c.958C>T (p.Arg320Trp) has been found in at least 4 individuals with FOXN1 related T cell immunodeficiency (PMIDs: 31566583, 27484032, 31447097, 20978268) in both homozygous and heterozygous states. One individual, where genomic sequencing revealed a homozygous variant, displayed phenotypes including congenital alopecia, nail dystrophy, absent T cells, and no response to PHA. This individual underwent a thymic transplant that corrected the T cell deficiency (PP4_moderate, PM3_supporting). In addition to this individual, three other patients have been described with heterozygous variants resulting in phenotypes including low TRECs and T cell lymphopenia (PS4_supporting). Additionally, the variant is present in one allele in the African/African American population in gnomADv4.0 (1/57226 alleles, MAF 0.00001747 below the PM2 threshold of <0.00002412) (PM2_supporting). The in silico meta predictor REVEL gives a score of 0.94, predicting a deleterious effect (PP3_Moderate). The variant is located within the DNA binding forkhead domain (amino acids 270-367), (PM1). Finally, the variant when expressed into HEK293 cells showed a protein function of 2% compared to wild type in a luciferase assay. In summary this variant meets criteria to be classified as pathogenic for semidominant cell immunodeficiency, congenital alopecia, and nail dystrophy due to FOXN1 deficiency based on the ACMG/AMP criteria applied: PM1, PP3_moderate, PS4_supporting, PM2_supporting, PM3_supporting, PP4_moderate, as specified by the ClinGen SCID VCEP FOXN1 subgroup.

North West Genomic Laboratory Hub, Manchester University NHS Foundation Trust
Classification: Pathogenic for Primary immunodeficiency or monogenic inflammatory bowel disease. Last evaluated: 2025-07-02. Review status: criteria provided, single submitter. Criteria: ACGS Best Practice Guidelines for Variant Classification in Rare Disease 2024. Collection method: clinical testing. Allele origin: germline. Affected: yes. Not counted in ClinVar's aggregate classification.
Comment: PP4_Mod PM1_Mod PM3_Supp PS4_Supp PS3_Mod PM2_Supp PP3_Supp

Labcorp Genetics (formerly Invitae), Labcorp
Classification: Uncertain significance for T-cell immunodeficiency, congenital alopecia, and nail dystrophy. Last evaluated: 2025-05-19. Review status: criteria provided, single submitter. Criteria: Invitae Variant Classification Sherloc (09022015). Collection method: clinical testing. Allele origin: germline. Not counted in ClinVar's aggregate classification.
Comment: This sequence change replaces arginine, which is basic and polar, with tryptophan, which is neutral and slightly polar, at codon 320 of the FOXN1 protein (p.Arg320Trp). This variant is present in population databases (no rsID available, gnomAD 0.01%). This missense change has been observed in individual(s) with FOXN1 deficiency (PMID: 20978268, 27484032, 31447097, 31566583). ClinVar contains an entry for this variant (Variation ID: 827572). Invitae Evidence Modeling of protein sequence and biophysical properties (such as structural, functional, and spatial information, amino acid conservation, physicochemical variation, residue mobility, and thermodynamic stability) has been performed for this missense variant. However, the output from this modeling did not meet the statistical confidence thresholds required to predict the impact of this variant on FOXN1 protein function. Experimental studies have shown that this missense change affects FOXN1 function (PMID: 31566583, 37419334). In summary, the available evidence is currently insufficient to determine the role of this variant in disease. Therefore, it has been classified as a Variant of Uncertain Significance.

Institute of Human Genetics, University of Leipzig Medical Center
Classification: Uncertain significance for T-cell lymphopenia, infantile, with or without nail dystrophy, autosomal dominant. Last evaluated: 2024-07-22. Review status: criteria provided, single submitter. Criteria: ACMG Guidelines, 2015. Collection method: clinical testing. Allele origin: unknown. Affected: yes. Not counted in ClinVar's aggregate classification.
Comment: Criteria applied: PM1,PS4_SUP,PM2_SUP,PP3

OMIM
Classification: Pathogenic for T-CELL IMMUNODEFICIENCY, CONGENITAL ALOPECIA, AND NAIL DYSTROPHY. Last evaluated: 2020-11-11. Review status: no assertion criteria provided. Collection method: literature only. Allele origin: germline. Not counted in ClinVar's aggregate classification.

OMIM
Classification: Pathogenic for T-CELL LYMPHOPENIA, INFANTILE, WITHOUT NAIL DYSTROPHY, AUTOSOMAL DOMINANT. Last evaluated: 2020-11-11. Review status: no assertion criteria provided. Collection method: literature only. Allele origin: germline. Not counted in ClinVar's aggregate classification.

Literature cited by the submitters: PubMed 20978268 (cited by Labcorp Genetics (formerly Invitae), Labcorp and OMIM); PubMed 27484032 (cited by Labcorp Genetics (formerly Invitae), Labcorp); PubMed 31447097 (cited by Labcorp Genetics (formerly Invitae), Labcorp and OMIM); PubMed 31566583 (cited by Labcorp Genetics (formerly Invitae), Labcorp); PubMed 37419334 (cited by Labcorp Genetics (formerly Invitae), Labcorp).

NM_001369369.1(FOXN1):c.958C>T (p.Arg320Trp)

Gene: FOXN1 (forkhead box N1; plus strand). Cytogenetic location: 17q11.2.
Variant type: single nucleotide variant.
Coding change: c.958C>T on transcript NM_001369369.1 (MANE Select); coding-DNA position 958, C replaced by T.
Protein change: p.Arg320Trp; replaces arginine 320 with tryptophan.
Molecular consequence: missense variant.
Genome position (GRCh38, 1-based): chr17:28,534,361, C>T. VCF-style: chr17-28534361-C-T. GRCh37 (hg19) VCF-style: chr17-26861379-C-T.
Other names: NM_001369369.1(FOXN1):c.958C>T; p.Arg320Trp; c.958C>T, p.Arg320Trp (NM_003593.3); short protein forms R320W.
Identifiers: ClinVar variation 827572 (VCV000827572.12), dbSNP rs1288977950, ClinGen allele CA398324484.